The following is an entry in ClinVar:

NM_020433.5(JPH2):c.819C>A (p.Ala273=)

Gene: JPH2 (junctophilin 2; minus strand). Cytogenetic location: 20q13.12.
Variant type: single nucleotide variant.
Coding change: c.819C>A on transcript NM_020433.5 (MANE Select); coding-DNA position 819, C replaced by A.
Protein change: p.Ala273=; no amino-acid change (alanine 273 retained).
Molecular consequence: synonymous variant.
Genome position (GRCh38, 1-based): chr20:44,159,968, G>T on the plus strand (C>A on the coding strand, the complement: JPH2 is on the minus strand). VCF-style: chr20-44159968-G-T. GRCh37 (hg19) VCF-style: chr20-42788608-G-T.
Identifiers: ClinVar variation 381134 (VCV000381134.14), dbSNP rs753387666, ClinGen allele CA9868810.
Genomic context (GRCh38, chr20:44,159,968, plus strand): 5'-GCCCATGTAGGTCTCGGTGGTGGTGGCGTCGATATCGGCCTCGAAGGGTGCGGCCTCGTC[G>T]GCGCCCTCGGCGGCCTCTCCCAGGCTGGCGGTGGACGCGGCGTCGCTGGCGCCCGAGCTG-3'
Protein context (NP_065166.2, residues 263-283): TASLGEAAEG[Ala273=]DEAAPFEADI

ClinVar aggregate classification (germline): Likely benign. Review status: criteria provided, multiple submitters, no conflicts (2 of 4 stars). 5 submissions from 5 submitters: Likely benign (5). Last evaluated 2026-01-15.

Conditions:
Cardiovascular phenotype. Identifiers: MedGen CN230736.
Hypertrophic cardiomyopathy. Also called: HYPERTROPHIC MYOCARDIOPATHY. Identifiers: Orphanet 217569, MedGen C0007194, MeSH D002312, MONDO:0005045, HP:0001639.

Allele frequency attached by ClinVar (database versions not stated): gnomAD 0.00005 and 0.00007; TOPMed 0.00005; gnomAD exomes 0.00007 and 0.00012; ExAC 0.00016.
gnomAD v4.1: 113 of 1,593,958 alleles (0.0071%); highest among the groups gnomAD compares: Middle Eastern, 0.13%; no homozygotes.

Submissions (5):

Labcorp Genetics (formerly Invitae), Labcorp
Classification: Likely benign for Hypertrophic cardiomyopathy. Last evaluated: 2026-01-15. Review status: criteria provided, single submitter. Criteria: Invitae Variant Classification Sherloc (09022015). Collection method: clinical testing. Allele origin: germline.

Molecular Diagnostic Laboratory for Inherited Cardiovascular Disease, Montreal Heart Institute
Classification: Likely benign. Last evaluated: 2025-04-09. Review status: criteria provided, single submitter. Criteria: ACMG Guidelines, 2015. Collection method: clinical testing. Allele origin: germline. Affected: no.
Comment: BP6;BP7

Blueprint Genetics
Classification: Likely benign. Last evaluated: 2024-03-25. Review status: criteria provided, single submitter. Criteria: ACMG Guidelines, 2015. Collection method: clinical testing. Allele origin: germline.

Ambry Genetics
Classification: Likely benign for Cardiovascular phenotype. Last evaluated: 2019-04-01. Review status: criteria provided, single submitter. Criteria: Ambry Variant Classification Scheme 2023. Collection method: clinical testing. Allele origin: germline.

GeneDx
Classification: Likely benign. Last evaluated: 2016-11-07. Review status: criteria provided, single submitter. Criteria: GeneDx Variant Classification (06012015). Collection method: clinical testing. Allele origin: germline. Affected: yes.
Comment: This variant is considered likely benign or benign based on one or more of the following criteria: it is a conservative change, it occurs at a poorly conserved position in the protein, it is predicted to be benign by multiple in silico algorithms, and/or has population frequency not consistent with disease.